The following is an entry in ClinVar:

NM_015378.4(VPS13D):c.3371G>A (p.Gly1124Asp)

Gene: VPS13D (vacuolar protein sorting 13 homolog D; plus strand). Cytogenetic location: 1p36.22.
Variant type: single nucleotide variant.
Coding change: c.3371G>A on transcript NM_015378.4 (MANE Select); coding-DNA position 3371, G replaced by A.
Protein change: p.Gly1124Asp; replaces glycine 1124 with aspartic acid.
Molecular consequence: missense variant.
Genome position (GRCh38, 1-based): chr1:12,276,959, G>A. VCF-style: chr1-12276959-G-A. GRCh37 (hg19) VCF-style: chr1-12337016-G-A.
Other names: c.3371G>A, p.Gly1124Asp (NM_018156.4); short protein forms G1124D.
Identifiers: ClinVar variation 940291 (VCV000940291.9), dbSNP rs773381384, ClinGen allele CA601970.

ClinVar aggregate classification (germline): Uncertain significance (1 of 4 stars; one submission).

Allele frequency attached by ClinVar (database versions not stated): gnomAD exomes below 0.00001 and 0.00001; TOPMed below 0.00001; ExAC 0.00002.
gnomAD v4.1: 7 of 1,614,098 alleles (0.00043%); highest among the groups gnomAD compares: East Asian, 0.0089%; no homozygotes.

Submission:

Labcorp Genetics (formerly Invitae), Labcorp
Classification: Uncertain significance. Last evaluated: 2022-03-23. Review status: criteria provided, single submitter. Criteria: Invitae Variant Classification Sherloc (09022015). Collection method: clinical testing. Allele origin: germline.
Comment: Algorithms developed to predict the effect of missense changes on protein structure and function (SIFT, PolyPhen-2, Align-GVGD) all suggest that this variant is likely to be tolerated. ClinVar contains an entry for this variant (Variation ID: 940291). This variant has not been reported in the literature in individuals affected with VPS13D-related conditions. This variant is present in population databases (rs773381384, gnomAD 0.02%). This sequence change replaces glycine, which is neutral and non-polar, with aspartic acid, which is acidic and polar, at codon 1124 of the VPS13D protein (p.Gly1124Asp). In summary, the available evidence is currently insufficient to determine the role of this variant in disease. Therefore, it has been classified as a Variant of Uncertain Significance.